The following is an entry in ClinVar:

ClinVar aggregate classification (germline): Uncertain significance (1 of 4 stars; one submission).

Submission:

GeneDx
Classification: Uncertain significance. Last evaluated: 2024-05-13. Review status: criteria provided, single submitter. Criteria: GeneDx Variant Classification Process June 2021. Collection method: clinical testing. Allele origin: germline. Affected: yes.
Comment: Not observed at significant frequency in large population cohorts (gnomAD); In silico analysis indicates that this missense variant does not alter protein structure/function; Has not been previously published as pathogenic or benign to our knowledge

NM_032217.5(ANKRD17):c.5589C>G (p.His1863Gln)

Gene: ANKRD17 (ankyrin repeat domain 17; minus strand). Cytogenetic location: 4q13.3.
Variant type: single nucleotide variant.
Coding change: c.5589C>G on transcript NM_032217.5 (MANE Select); coding-DNA position 5589, C replaced by G.
Protein change: p.His1863Gln; replaces histidine 1863 with glutamine.
Molecular consequence: missense variant.
Genome position (GRCh38, 1-based): chr4:73,092,039, G>C on the plus strand (C>G on the coding strand, the complement: ANKRD17 is on the minus strand). VCF-style: chr4-73092039-G-C. GRCh37 (hg19) VCF-style: chr4-73957756-G-C.
Other names: c.5250C>G, p.His1750Gln (NM_001286771.3); c.5586C>G, p.His1862Gln (NM_015574.2); c.4836C>G, p.His1612Gln (NM_198889.3); short protein forms H1612Q, H1750Q, H1862Q, H1863Q.
Identifiers: ClinVar variation 3378338 (VCV003378338.1).
Genomic context (GRCh38, chr4:73,092,039, plus strand): 5'-TAATGGAAGAGAAACTGGAAAACCAGGCCTCACATTATTCACTGGGTTCTTAATGGTTTT[G>C]TGAGTGGATGCAGAAGAAATTGCAGGCACAGTGAGTGCTGTGGCAGTTTGAGATGTTGAT-3'
Protein context (NP_115593.3, residues 1853-1873): TVPAISSAST[His1863Gln]KTIKNPVNNV